The following is an entry in ClinVar:

ClinVar aggregate classification (germline): Likely benign (1 of 4 stars; one submission).

gnomAD v4.1: 73 of 1,613,680 alleles (0.0045%); highest among the groups gnomAD compares: Middle Eastern, 0.016%; no homozygotes.

Submission:

CeGaT Center for Human Genetics Tuebingen
Classification: Likely benign. Last evaluated: 2025-09-01. Review status: criteria provided, single submitter. Criteria: CeGaT Center For Human Genetics Tuebingen Variant Classification Criteria Version 2. Collection method: clinical testing. Allele origin: germline. Affected: yes. Observed: 1 variant allele.
Comment: TIAM1: BP4, BP7

NM_001353694.2(TIAM1):c.1872T>C (p.Tyr624=)

Gene: TIAM1 (TIAM Rac1 associated GEF 1; minus strand). Cytogenetic location: 21q22.11.
Variant type: single nucleotide variant.
Coding change: c.1872T>C on transcript NM_001353694.2 (MANE Select); coding-DNA position 1872, T replaced by C.
Protein change: p.Tyr624=; no amino-acid change (tyrosine 624 retained).
Molecular consequence: synonymous variant.
Genome position (GRCh38, 1-based): chr21:31,223,529, A>G on the plus strand (T>C on the coding strand, the complement: TIAM1 is on the minus strand). VCF-style: chr21-31223529-A-G. GRCh37 (hg19) VCF-style: chr21-32595845-A-G.
Other names: c.1872T>C, p.Tyr624= (NM_001353686.2, NM_001353687.2, NM_001353688.1 and 6 more transcripts).
Identifiers: ClinVar variation 4281055 (VCV004281055.7).